The following is an entry in ClinVar:

NM_206933.4(USH2A):c.91A>G (p.Thr31Ala)

Gene: USH2A (usherin; minus strand). Cytogenetic location: 1q41.
Variant type: single nucleotide variant.
Coding change: c.91A>G on transcript NM_206933.4 (MANE Select); coding-DNA position 91, A replaced by G.
Protein change: p.Thr31Ala; replaces threonine 31 with alanine.
Molecular consequence: missense variant.
Genome position (GRCh38, 1-based): chr1:216,422,246, T>C on the plus strand (A>G on the coding strand, the complement: USH2A is on the minus strand). VCF-style: chr1-216422246-T-C. GRCh37 (hg19) VCF-style: chr1-216595588-T-C.
Other names: c.91A>G, p.Thr31Ala (NM_007123.6); short protein forms T31A.
Identifiers: ClinVar variation 1418454 (VCV001418454.5), dbSNP rs373207201, ClinGen allele CA1396856.

ClinVar aggregate classification (germline): Uncertain significance (1 of 4 stars; one submission).

Allele frequency attached by ClinVar (database versions not stated): gnomAD exomes below 0.00001 and 0.00001; ExAC 0.00001; gnomAD 0.00001; TOPMed 0.00001; ESP Exome Variant Server 0.00008.
gnomAD v4.1: 12 of 1,613,470 alleles (0.00074%); highest among the groups gnomAD compares: African/African-American, 0.0013%; no homozygotes.

Submission:

Labcorp Genetics (formerly Invitae), Labcorp
Classification: Uncertain significance. Last evaluated: 2022-03-19. Review status: criteria provided, single submitter. Criteria: Invitae Variant Classification Sherloc (09022015). Collection method: clinical testing. Allele origin: germline.
Comment: This sequence change replaces threonine, which is neutral and polar, with alanine, which is neutral and non-polar, at codon 31 of the USH2A protein (p.Thr31Ala). This variant is present in population databases (rs373207201, gnomAD 0.0009%). This variant has not been reported in the literature in individuals affected with USH2A-related conditions. Algorithms developed to predict the effect of missense changes on protein structure and function output the following: SIFT: "Tolerated"; PolyPhen-2: "Benign"; Align-GVGD: "Class C0". The alanine amino acid residue is found in multiple mammalian species, which suggests that this missense change does not adversely affect protein function. In summary, the available evidence is currently insufficient to determine the role of this variant in disease. Therefore, it has been classified as a Variant of Uncertain Significance.